The following is an entry in ClinVar:

NM_178452.6(DNAAF1):c.515del (p.Leu172fs)

Gene: DNAAF1 (dynein axonemal assembly factor 1; plus strand). Cytogenetic location: 16q24.1.
Variant type: Deletion.
Coding change: c.515del on transcript NM_178452.6 (MANE Select); coding-DNA position 515, one base deleted (T; older notation c.515delT).
Protein change: p.Leu172fs; shifts the reading frame from leucine 172.
Molecular consequence: frameshift variant.
Genome position (GRCh38, 1-based): chr16:84,154,739, T deleted. VCF-style (leftmost placement, unchanged base first): chr16-84154738-CT-C. GRCh37 (hg19) VCF-style: chr16-84188343-CT-C.
Other names: short protein forms L172fs.
Identifiers: ClinVar variation 4762232 (VCV004762232.1).

ClinVar aggregate classification (germline): Pathogenic (1 of 4 stars; one submission).

Conditions:
Primary ciliary dyskinesia. Also called: Ciliary dyskinesia. Identifiers: Orphanet 244, MedGen C0008780, MONDO:0016575, HP:0012265.

Submission:

Labcorp Genetics (formerly Invitae), Labcorp
Classification: Pathogenic for Primary ciliary dyskinesia. Last evaluated: 2025-06-14. Review status: criteria provided, single submitter. Criteria: Invitae Variant Classification Sherloc (09022015). Collection method: clinical testing. Allele origin: germline.
Comment: This sequence change creates a premature translational stop signal (p.Leu172Argfs*26) in the DNAAF1 gene. It is expected to result in an absent or disrupted protein product. Loss-of-function variants in DNAAF1 are known to be pathogenic (PMID: 19944400, 19944405). This variant is not present in population databases (gnomAD no frequency). This variant has not been reported in the literature in individuals affected with DNAAF1-related conditions. For these reasons, this variant has been classified as Pathogenic.

Literature cited by the submitters: PubMed 19944400; PubMed 19944405.